The following is an entry in ClinVar:

NM_001034853.2(RPGR):c.2270_2271del (p.Glu757fs)

Gene: RPGR (retinitis pigmentosa GTPase regulator; minus strand). Cytogenetic location: Xp11.4.
Variant type: Microsatellite.
Coding change: c.2270_2271del on transcript NM_001034853.2 (MANE Select); coding-DNA positions 2270 to 2271, 2 bases deleted (AG; older notation c.2270_2271delAG).
Protein change: p.Glu757fs; shifts the reading frame from glutamic acid 757.
Molecular consequence: frameshift variant. On other transcripts: intron variant (8).
Genome position (GRCh38, 1-based): chrX:38,286,728-38,286,729, CT deleted on the plus strand (AG on the coding strand, the reverse complement: RPGR is on the minus strand); deleting any 2 consecutive bases within chrX:38,286,728-38,286,731 gives the same sequence; the c. name uses the placement nearest the transcript's 3' end. VCF-style (leftmost placement, unchanged base first): chrX-38286727-CCT-C. GRCh37 (hg19) VCF-style: chrX-38145980-CCT-C.
Other names: NM_001034853.2(RPGR):c.2270_2271del; p.Glu757fs; c.1569+4230_1569+4231del (NM_001367249.1, NM_001367250.1); c.1902+365_1902+366del (NM_001367245.1); c.1386+4230_1386+4231del (NM_001367251.1); c.1719+365_1719+366del (NM_001367246.1); c.1572+4230_1572+4231del (NM_001367247.1); c.1905+365_1905+366del (NM_000328.3); and 1 more; short protein forms E757fs.
Identifiers: ClinVar variation 1802355 (VCV001802355.9), dbSNP rs2519792436, ClinGen allele CA2580616986.

ClinVar aggregate classification (germline): Pathogenic. Review status: reviewed by expert panel (3 of 4 stars). 4 submissions from 4 submitters: Pathogenic (1). 3 of the submissions do not count toward it. Last evaluated 2025-08-28.

Conditions:
RPGR-related retinopathy. Also called: RPGR retinopathy. Identifiers: MedGen CN305589, MONDO:0100437.
RPGR-related disorder. Also called: RPGR-related condition.
Primary ciliary dyskinesia. Also called: Ciliary dyskinesia. Identifiers: Orphanet 244, MedGen C0008780, MONDO:0016575, HP:0012265.

Submissions (4):

ClinGen X-linked Inherited Retinal Disease Variant Curation Expert Panel, ClinGen
Classification: Pathogenic for RPGR-related retinopathy. Last evaluated: 2025-08-28. Review status: reviewed by expert panel. Criteria: ClinGen X LinkedIRD ACMG Specifications RPGR V1.0.0. Collection method: curation. Allele origin: germline. Inheritance: X-linked inheritance.
Comment: NM_001034853.2(RPGR):c.2270_2271del (p.Glu757GlyfsTer12) is a frameshift variant due to a 2-nucleotide deletion that introduces a premature stop codon after 12 amino acids within exon 15 of 15 that is predicted to disrupt a critical C-terminal region required for proper glutamylation of RPGR (PVS1, PMID: 36445968). This variant is absent from gnomAD v4.1.0 (PM2_Supporting). This variant has been reported in at least 2 probands meeting one of the PS4 requirements of a male with some functional vision impairment by age 30 years and/or decreased or absent electroretinogram responses, or a female with functional visual abnormality and documentation of a male relative affected with retinitis pigmentosa (PMID: 18552978, PMID: 38586746, PMID: 17325176, PS4_Supporting). At least one proband harboring this variant exhibits a phenotype including first/second-decade onset (1 pt), diagnosis of cone or cone-rod dystrophy (1 pt), decreased central visual acuity (0.5 pts), and visual field constriction (0.5 pts), however, the 3 total points were below the required 4 points for the PP4 code. In summary, this variant is classified as pathogenic for RPGR-related retinopathy based on the ClinGen X-linked Inherited Retinal Disease Expert Panel Specifications to the ACMG/AMP Variant Interpretation Guidelines for RPGR Version 1.0.0; PVS1, PM2_Supporting, and PS4_Supporting.

Labcorp Genetics (formerly Invitae), Labcorp
Classification: Pathogenic for Primary ciliary dyskinesia. Last evaluated: 2025-07-21. Review status: criteria provided, single submitter. Criteria: Invitae Variant Classification Sherloc (09022015). Collection method: clinical testing. Allele origin: germline. Not counted in ClinVar's aggregate classification.
Comment: This sequence change creates a premature translational stop signal (p.Glu757Glyfs*12) in the RPGR (ORF15) gene. While this is not anticipated to result in nonsense mediated decay, it is expected to disrupt the last 396 amino acid(s) of the RPGR (ORF15) protein. This variant is not present in population databases (gnomAD no frequency). This premature translational stop signal has been observed in individual(s) with X-linked retinitis pigmentosa (PMID: 14564670). This variant is also known as g.ORF15517_518delAG (ORF15E172;Ter@183). ClinVar contains an entry for this variant (Variation ID: 1802355). This variant disrupts a region of the RPGR (ORF15) protein in which other variant(s) (p.Leu1130Lysfs*13) have been determined to be pathogenic (PMID: 22264887; internal data). This suggests that this is a clinically significant region of the protein, and that variants that disrupt it are likely to be disease-causing. For these reasons, this variant has been classified as Pathogenic.

Blueprint Genetics
Classification: Pathogenic for RPGR-related disorders. Last evaluated: 2022-08-24. Review status: criteria provided, single submitter. Criteria: ACMG Guidelines, 2015. Collection method: clinical testing. Allele origin: germline. Affected: yes. Observed: 4 variant alleles. Not counted in ClinVar's aggregate classification.

PreventionGenetics, part of Exact Sciences
Classification: Pathogenic. Last evaluated: 2021-02-11. Review status: criteria provided, single submitter. Criteria: ACMG Guidelines, 2015. Collection method: clinical testing. Allele origin: germline. Not counted in ClinVar's aggregate classification.

Literature cited by the submitters: PubMed 14564670 (cited by Labcorp Genetics (formerly Invitae), Labcorp); PubMed 22264887 (cited by Labcorp Genetics (formerly Invitae), Labcorp).